The following is an entry in ClinVar:

ClinVar aggregate classification (germline): Likely benign. Review status: criteria provided, multiple submitters, no conflicts (2 of 4 stars). 5 submissions from 5 submitters: Likely benign (5). Last evaluated 2026-04-01.

Conditions:
KIF1A-related disorder. Also called: KIF1A-related disorders; KIF1A-related condition.
Inborn genetic diseases. Identifiers: MedGen C0950123, MeSH D030342.
Hereditary spastic paraplegia 30. Identifiers: Orphanet 101010, MedGen C5235139, MONDO:0012476.
Neuropathy, hereditary sensory, type 2C. Also called: Hereditary sensory and autonomic neuropathy type IIC; KIF1A-Related HSAN2 (HSAN2C). Identifiers: Orphanet 970, MedGen C3280168, MONDO:0013634, OMIM 614213.
Intellectual disability, autosomal dominant 9 (NESCAVS). Also called: NESCAV SYNDROME; KIF1A-Related Neurodevelopmental Disorder. Identifiers: Orphanet 662367, MedGen C5393830, MONDO:0013656, OMIM 614255.

Allele frequency attached by ClinVar (database versions not stated): gnomAD 0.00002 and 0.00003; TOPMed 0.00004.
gnomAD v4.1: 21 of 1,609,532 alleles (0.0013%); highest among the groups gnomAD compares: South Asian, 0.0044%; no homozygotes.

Submissions (5):

CeGaT Center for Human Genetics Tuebingen
Classification: Likely benign. Last evaluated: 2026-04-01. Review status: criteria provided, single submitter. Criteria: CeGaT Center For Human Genetics Tuebingen Variant Classification Criteria Version 2. Collection method: clinical testing. Allele origin: germline. Affected: yes. Observed: 3 variant alleles.
Comment: KIF1A: BP4, BP7

PreventionGenetics, part of Exact Sciences
Classification: Likely benign for KIF1A-related condition. Last evaluated: 2025-12-30. Review status: criteria provided, single submitter. Criteria: ACMG Guidelines, 2015. Collection method: clinical testing. Allele origin: germline.
Comment: This variant is classified as likely benign based on ACMG/AMP sequence variant interpretation guidelines (Richards et al. 2015 PMID: 25741868, with internal and published modifications).

Labcorp Genetics (formerly Invitae), Labcorp
Classification: Likely benign for Hereditary spastic paraplegia 30; Neuropathy, hereditary sensory, type 2C; Intellectual disability, autosomal dominant 9. Last evaluated: 2025-03-01. Review status: criteria provided, single submitter. Criteria: Invitae Variant Classification Sherloc (09022015). Collection method: clinical testing. Allele origin: germline.

Ambry Genetics
Classification: Likely benign for Inborn genetic diseases. Last evaluated: 2019-07-11. Review status: criteria provided, single submitter. Criteria: Ambry Variant Classification Scheme 2023. Collection method: clinical testing. Allele origin: germline.

GeneDx
Classification: Likely benign. Last evaluated: 2018-02-23. Review status: criteria provided, single submitter. Criteria: GeneDx Variant Classification (06012015). Collection method: clinical testing. Allele origin: germline. Affected: yes.
Comment: This variant is considered likely benign or benign based on one or more of the following criteria: it is a conservative change, it occurs at a poorly conserved position in the protein, it is predicted to be benign by multiple in silico algorithms, and/or has population frequency not consistent with disease.

NM_001244008.2(KIF1A):c.5250C>T (p.Arg1750=)

Gene: KIF1A (kinesin family member 1A; minus strand). Cytogenetic location: 2q37.3.
Variant type: single nucleotide variant.
Coding change: c.5250C>T on transcript NM_001244008.2 (MANE Select); coding-DNA position 5250, C replaced by T.
Protein change: p.Arg1750=; no amino-acid change (arginine 1750 retained).
Molecular consequence: synonymous variant.
Genome position (GRCh38, 1-based): chr2:240,718,133, G>A on the plus strand (C>T on the coding strand, the complement: KIF1A is on the minus strand). VCF-style: chr2-240718133-G-A. GRCh37 (hg19) VCF-style: chr2-241657550-G-A.
Other names: c.5250C>T (NM_001244008.1); c.4974C>T, p.Arg1658= (NM_001320705.2, NM_001379649.1); c.5001C>T, p.Arg1667= (NM_001330289.2); c.5049C>T, p.Arg1683= (NM_001330290.2, NM_001379648.1); c.5325C>T, p.Arg1775= (NM_001379631.1); c.5226C>T, p.Arg1742= (NM_001379632.1); c.5223C>T, p.Arg1741= (NM_001379633.1, NM_001379645.1); c.5076C>T, p.Arg1692= (NM_001379634.1); and 9 more.
Identifiers: ClinVar variation 515573 (VCV000515573.28), dbSNP rs753129112, ClinGen allele CA2207124.